The following is an entry in ClinVar:

NM_001283009.2(RTEL1):c.3487G>A (p.Ala1163Thr)

Genes: RTEL1 (regulator of telomere elongation helicase 1; plus strand), RTEL1-TNFRSF6B (RTEL1-TNFRSF6B readthrough (NMD candidate); plus strand). Cytogenetic location: 20q13.33.
Variant type: single nucleotide variant.
Coding change: c.3487G>A on transcript NM_001283009.2 (MANE Select); coding-DNA position 3487, G replaced by A.
Protein change: p.Ala1163Thr; replaces alanine 1163 with threonine.
Molecular consequence: missense variant. On other transcripts: non-coding transcript variant (1).
Genome position (GRCh38, 1-based): chr20:63,695,209, G>A. VCF-style: chr20-63695209-G-A. GRCh37 (hg19) VCF-style: chr20-62326562-G-A.
Other names: c.2818G>A, p.Ala940Thr (NM_001283010.1); c.3487G>A, p.Ala1163Thr (NM_016434.4); c.3559G>A, p.Ala1187Thr (NM_032957.5); short protein forms A1187T, A940T, A1163T.
Identifiers: ClinVar variation 2931845 (VCV002931845.4), dbSNP rs550764571, ClinGen allele CA409685522.

ClinVar aggregate classification (germline): Uncertain significance. Review status: criteria provided, multiple submitters, no conflicts (2 of 4 stars). 2 submissions from 2 submitters: Uncertain significance (2). Last evaluated 2025-05-09.

Conditions:
Dyskeratosis congenita, autosomal recessive 5 (DKCB5). Identifiers: MedGen C3554656, MONDO:0014076, OMIM 615190.
Pulmonary fibrosis and/or bone marrow failure, Telomere-related, 3. Also called: PULMONARY FIBROSIS AND/OR BONE MARROW FAILURE SYNDROME, TELOMERE-RELATED, 3. Identifiers: Orphanet 2032, MedGen C4225346, MONDO:0014613, OMIM 616373.
Inborn genetic diseases. Identifiers: MedGen C0950123, MeSH D030342.

gnomAD v4.1: 1 of 1,611,868 alleles (0.000062%); highest among the groups gnomAD compares: Non-Finnish European, 0.000085%; no homozygotes.

Submissions (2):

Ambry Genetics
Classification: Uncertain significance for Inborn genetic diseases. Last evaluated: 2025-05-09. Review status: criteria provided, single submitter. Criteria: Ambry Variant Classification Scheme 2023. Collection method: clinical testing. Allele origin: germline.
Comment: The p.A1163T variant (also known as c.3487G>A), located in coding exon 32 of the RTEL1 gene, results from a G to A substitution at nucleotide position 3487. The alanine at codon 1163 is replaced by threonine, an amino acid with similar properties. This amino acid position is conserved. In addition, this alteration is predicted to be tolerated by in silico analysis. Based on the available evidence, the clinical significance of this variant remains unclear.

Labcorp Genetics (formerly Invitae), Labcorp
Classification: Uncertain significance for Dyskeratosis congenita, autosomal recessive 5; Pulmonary fibrosis and/or bone marrow failure, Telomere-related, 3. Last evaluated: 2024-03-02. Review status: criteria provided, single submitter. Criteria: Invitae Variant Classification Sherloc (09022015). Collection method: clinical testing. Allele origin: germline.
Comment: This sequence change replaces alanine, which is neutral and non-polar, with threonine, which is neutral and polar, at codon 1163 of the RTEL1 protein (p.Ala1163Thr). This variant is not present in population databases (gnomAD no frequency). This variant has not been reported in the literature in individuals affected with RTEL1-related conditions. Algorithms developed to predict the effect of missense changes on protein structure and function output the following: SIFT: "Not Available"; PolyPhen-2: "Benign"; Align-GVGD: "Not Available". The threonine amino acid residue is found in multiple mammalian species, which suggests that this missense change does not adversely affect protein function. In summary, the available evidence is currently insufficient to determine the role of this variant in disease. Therefore, it has been classified as a Variant of Uncertain Significance.